The following is an entry in ClinVar:

ClinVar aggregate classification (germline): Uncertain significance (1 of 4 stars; one submission).

Conditions:
Cardiovascular phenotype. Identifiers: MedGen CN230736.
Hereditary cancer-predisposing syndrome. Also called: Neoplastic Syndromes, Hereditary; Tumor predisposition; Hereditary Cancer Syndrome; Hereditary neoplastic syndrome. Identifiers: Orphanet 140162, MedGen C0027672, MeSH D009386, MONDO:0015356.

Submission:

Ambry Genetics
Classification: Uncertain significance for Cardiovascular phenotype; Hereditary cancer-predisposing syndrome. Last evaluated: 2026-05-22. Review status: criteria provided, single submitter. Criteria: Ambry Variant Classification Scheme 2023. Collection method: clinical testing. Allele origin: germline.
Comment: The p.S2763P variant (also known as c.8287T>C), located in coding exon 56 of the NF1 gene, results from a T to C substitution at nucleotide position 8287. The serine at codon 2763 is replaced by proline, an amino acid with similar properties. This amino acid position is conserved. In addition, the in silico prediction for this alteration is inconclusive. Based on the available evidence, the clinical significance of this variant remains unclear.

NM_001042492.3(NF1):c.8350T>C (p.Ser2784Pro)

Gene: NF1 (neurofibromin 1; plus strand). Cytogenetic location: 17q11.2.
Variant type: single nucleotide variant.
Coding change: c.8350T>C on transcript NM_001042492.3 (MANE Select); coding-DNA position 8350, T replaced by C.
Protein change: p.Ser2784Pro; replaces serine 2784 with proline.
Molecular consequence: missense variant.
Genome position (GRCh38, 1-based): chr17:31,360,676, T>C. VCF-style: chr17-31360676-T-C. GRCh37 (hg19) VCF-style: chr17-29687694-T-C.
Other names: c.8287T>C, p.Ser2763Pro (NM_000267.4); short protein forms S2763P, S2784P.
Identifiers: ClinVar variation 4860976 (VCV004860976.1).
Genomic context (GRCh38, chr17:31,360,676, plus strand): 5'-CCTGCACTGCAGAGCCAGCTTAGTATCACTGCCAACCTTAACCTTTCTAATTCCATGACC[T>C]CACTTGCAACTTCCCAGCATTCCCCAGGTCAGTAAATGTGATCTTTATATGACTTTGAGC-3'
Protein context (NP_001035957.1, residues 2774-2794): ANLNLSNSMT[Ser2784Pro]LATSQHSPGI